The following is an entry in ClinVar:

ClinVar aggregate classification (germline): Likely benign (1 of 4 stars; one submission).

Submission:

Women's Health and Genetics/Laboratory Corporation of America, LabCorp
Classification: Likely benign. Last evaluated: 2025-12-19. Review status: criteria provided, single submitter. Criteria: LabCorp Variant Classification Summary - May 2015. Collection method: clinical testing. Allele origin: germline.
Comment: Variant summary: MED12 c.3294C>T results in a synonymous change. Consensus agreement among computation tools predict no significant impact on normal splicing. However, these predictions have yet to be confirmed by functional studies. The variant was absent in 181843 control chromosomes. The available data on variant occurrences in the general population are insufficient to allow any conclusion about variant significance. To our knowledge, no occurrence of c.3294C>T in individuals affected with MED12-related conditions and no experimental evidence demonstrating its impact on protein function have been reported. No submitters have cited clinical-significance assessments for this variant to ClinVar. Based on the evidence outlined above, the variant was classified as likely benign.

NM_005120.3(MED12):c.3294C>T (p.Ala1098=)

Gene: MED12 (mediator complex subunit 12; plus strand). Cytogenetic location: Xq13.1.
Variant type: single nucleotide variant.
Coding change: c.3294C>T on transcript NM_005120.3 (MANE Select); coding-DNA position 3294, C replaced by T.
Protein change: p.Ala1098=; no amino-acid change (alanine 1098 retained).
Molecular consequence: synonymous variant.
Genome position (GRCh38, 1-based): chrX:71,128,380, C>T. VCF-style: chrX-71128380-C-T. GRCh37 (hg19) VCF-style: chrX-70348230-C-T.
Identifiers: ClinVar variation 4688190 (VCV004688190.1).